The following is an entry in ClinVar:

ClinVar aggregate classification (germline): Uncertain significance (1 of 4 stars; one submission).

Conditions:
Hereditary cancer-predisposing syndrome. Also called: Hereditary neoplastic syndrome; Neoplastic Syndromes, Hereditary; Tumor predisposition; Hereditary Cancer Syndrome. Identifiers: Orphanet 140162, MedGen C0027672, MeSH D009386, MONDO:0015356.

Submission:

Ambry Genetics
Classification: Uncertain significance for Hereditary cancer-predisposing syndrome. Last evaluated: 2025-08-28. Review status: criteria provided, single submitter. Criteria: Ambry Variant Classification Scheme 2023. Collection method: clinical testing. Allele origin: germline.
Comment: The p.D782Y variant (also known as c.2344G>T), located in coding exon 14 of the PMS2 gene, results from a G to T substitution at nucleotide position 2344. The aspartic acid at codon 782 is replaced by tyrosine, an amino acid with highly dissimilar properties. This amino acid position is conserved. In addition, this alteration is predicted to be deleterious by in silico analysis. Based on the available evidence, the clinical significance of this variant remains unclear.

NM_000535.7(PMS2):c.2344G>T (p.Asp782Tyr)

Gene: PMS2 (PMS1 homolog 2, mismatch repair system component; minus strand). Cytogenetic location: 7p22.1.
Variant type: single nucleotide variant.
Coding change: c.2344G>T on transcript NM_000535.7 (MANE Select); coding-DNA position 2344, G replaced by T.
Protein change: p.Asp782Tyr; replaces aspartic acid 782 with tyrosine.
Molecular consequence: missense variant. On other transcripts: non-coding transcript variant (1).
Genome position (GRCh38, 1-based): chr7:5,977,689, C>A on the plus strand (G>T on the coding strand, the complement: PMS2 is on the minus strand). VCF-style: chr7-5977689-C-A. GRCh37 (hg19) VCF-style: chr7-6017320-C-A.
Other names: c.1939G>T, p.Asp647Tyr (NM_001406890.1, NM_001406891.1, NM_001406892.1 and 11 more transcripts); c.1858G>T, p.Asp620Tyr (NM_001406903.1); c.1831G>T, p.Asp611Tyr (NM_001406904.1, NM_001406905.1); c.1783G>T, p.Asp595Tyr (NM_001406906.1, NM_001406907.1, NM_001322010.2); c.1771G>T, p.Asp591Tyr (NM_001406908.1, NM_001406909.1, NM_001322013.2); c.1573G>T, p.Asp525Tyr (NM_001406911.1); c.1141G>T, p.Asp381Tyr (NM_001406912.1); c.1627G>T, p.Asp543Tyr (NM_001406910.1); and 20 more; short protein forms D591Y, D611Y, D647Y, D670Y, D676Y, D690Y, D844Y, D381Y.
Identifiers: ClinVar variation 4140514 (VCV004140514.1).